The following is an entry in ClinVar:

ClinVar aggregate classification (germline): Pathogenic (1 of 4 stars; one submission).

Conditions:
Tuberous sclerosis 1 (TSC1). Identifiers: Orphanet 805, MedGen C1854465, MONDO:0008612, OMIM 191100.

Submission:

Labcorp Genetics (formerly Invitae), Labcorp
Classification: Pathogenic for Tuberous sclerosis 1. Last evaluated: 2023-03-04. Review status: criteria provided, single submitter. Criteria: Invitae Variant Classification Sherloc (09022015). Collection method: clinical testing. Allele origin: germline.
Comment: This sequence change replaces leucine, which is neutral and non-polar, with proline, which is neutral and non-polar, at codon 161 of the TSC1 protein (p.Leu161Pro). This variant is not present in population databases (gnomAD no frequency). This missense change has been observed in individual(s) with tuberous sclerosis complex (Invitae). In at least one individual the variant was observed to be de novo. ClinVar contains an entry for this variant (Variation ID: 998911). Advanced modeling of protein sequence and biophysical properties (such as structural, functional, and spatial information, amino acid conservation, physicochemical variation, residue mobility, and thermodynamic stability) performed at Invitae indicates that this missense variant is not expected to disrupt TSC1 protein function. For these reasons, this variant has been classified as Pathogenic.

NM_000368.5(TSC1):c.482T>C (p.Leu161Pro)

Gene: TSC1 (TSC complex subunit 1; minus strand). Cytogenetic location: 9q34.13.
Variant type: single nucleotide variant.
Coding change: c.482T>C on transcript NM_000368.5 (MANE Select); coding-DNA position 482, T replaced by C.
Protein change: p.Leu161Pro; replaces leucine 161 with proline.
Molecular consequence: missense variant.
Genome position (GRCh38, 1-based): chr9:132,923,374, A>G on the plus strand (T>C on the coding strand, the complement: TSC1 is on the minus strand). VCF-style: chr9-132923374-A-G. GRCh37 (hg19) VCF-style: chr9-135798761-A-G.
Other names: c.482T>C, p.Leu161Pro (NM_001162426.2); c.329T>C, p.Leu110Pro (NM_001162427.2); c.119T>C, p.Leu40Pro (NM_001362177.2); short protein forms L110P, L161P, L40P.
Identifiers: ClinVar variation 998911 (VCV000998911.8), dbSNP rs1846672141, ClinGen allele CA375373213.
Genomic context (GRCh38, chr9:132,923,374, plus strand): 5'-ACAGGGCCCAACAGGTATATGAGGAGATCTGTACCTGGTTTCTTCAGGCACCATGATGAC[A>G]GACGGCCAAAAATGTCAAAGAAATCAAGAAGATGCTGTTTCCCAGACTGTGGAATCATTG-3'
Protein context (NP_000359.1, residues 151-171): LLDFFDIFGR[Leu161Pro]SSWCLKKPGH